The following is an entry in ClinVar:

ClinVar aggregate classification (germline): Conflicting classifications of pathogenicity. Review status: criteria provided, conflicting classifications (1 of 4 stars). 2 submissions from 2 submitters: Uncertain significance (1); Likely benign (1). Last evaluated 2025-04-12.

Conditions:
Inborn genetic diseases. Identifiers: MedGen C0950123, MeSH D030342.

Allele frequency attached by ClinVar (database versions not stated): gnomAD exomes 0.00006; TOPMed 0.00006; gnomAD 0.00007; ExAC 0.00012; ESP Exome Variant Server 0.00015; 1000 Genomes Project 30x 0.00016; 1000 Genomes Project 0.00020.
gnomAD v4.1: 96 of 1,613,244 alleles (0.006%); highest among the groups gnomAD compares: South Asian, 0.04%; no homozygotes.

Submissions (2):

Ambry Genetics
Classification: Likely benign for Inborn genetic diseases. Last evaluated: 2025-04-12. Review status: criteria provided, single submitter. Criteria: Ambry Variant Classification Scheme 2023. Collection method: clinical testing. Allele origin: germline.

Labcorp Genetics (formerly Invitae), Labcorp
Classification: Uncertain significance. Last evaluated: 2023-10-11. Review status: criteria provided, single submitter. Criteria: Invitae Variant Classification Sherloc (09022015). Collection method: clinical testing. Allele origin: germline.
Comment: This sequence change replaces arginine, which is basic and polar, with histidine, which is basic and polar, at codon 477 of the CFHR5 protein (p.Arg477His). This variant is present in population databases (rs149905969, gnomAD 0.04%), and has an allele count higher than expected for a pathogenic variant. This variant has not been reported in the literature in individuals affected with CFHR5-related conditions. Advanced modeling of protein sequence and biophysical properties (such as structural, functional, and spatial information, amino acid conservation, physicochemical variation, residue mobility, and thermodynamic stability) performed at Invitae indicates that this missense variant is not expected to disrupt CFHR5 protein function. In summary, the available evidence is currently insufficient to determine the role of this variant in disease. Therefore, it has been classified as a Variant of Uncertain Significance.

NM_030787.4(CFHR5):c.1430G>A (p.Arg477His)

Gene: CFHR5 (complement factor H related 5; plus strand). Cytogenetic location: 1q31.3.
Variant type: single nucleotide variant.
Coding change: c.1430G>A on transcript NM_030787.4 (MANE Select); coding-DNA position 1430, G replaced by A.
Protein change: p.Arg477His; replaces arginine 477 with histidine.
Molecular consequence: missense variant.
Genome position (GRCh38, 1-based): chr1:197,004,760, G>A. VCF-style: chr1-197004760-G-A. GRCh37 (hg19) VCF-style: chr1-196973890-G-A.
Other names: short protein forms R477H.
Identifiers: ClinVar variation 2961225 (VCV002961225.4), dbSNP rs149905969, ClinGen allele CA1308081.